The following is an entry in ClinVar:

NM_002691.4(POLD1):c.1383+5G>A

Gene: POLD1 (DNA polymerase delta 1, catalytic subunit; plus strand). Cytogenetic location: 19q13.33.
Variant type: single nucleotide variant.
Coding change: c.1383+5G>A on transcript NM_002691.4 (MANE Select); 5 bases into the intron after coding-DNA position 1383, G replaced by A.
Molecular consequence: intron variant.
Genome position (GRCh38, 1-based): chr19:50,406,327, G>A. VCF-style: chr19-50406327-G-A. GRCh37 (hg19) VCF-style: chr19-50909584-G-A.
Other names: c.1383+5G>A (NM_001256849.1, NM_001308632.1, NM_002691.2).
Identifiers: ClinVar variation 858680 (VCV000858680.8), dbSNP rs1473037386, ClinGen allele CA633897325.

ClinVar aggregate classification (germline): Uncertain significance. Review status: criteria provided, multiple submitters, no conflicts (2 of 4 stars). 2 submissions from 2 submitters: Uncertain significance (2). Last evaluated 2025-03-05.

Conditions:
POLD1-related polyposis and colorectal cancer syndrome (CRCS10). Also called: Colorectal cancer 10; COLORECTAL CANCER, SUSCEPTIBILITY TO, ON CHROMOSOME 19q; Colorectal cancer, susceptibility to, 10. Identifiers: Orphanet 220460, MedGen C2675481, MONDO:0012953, OMIM 612591.
Hereditary cancer-predisposing syndrome. Also called: Tumor predisposition; Hereditary Cancer Syndrome; Hereditary neoplastic syndrome; Neoplastic Syndromes, Hereditary. Identifiers: Orphanet 140162, MedGen C0027672, MeSH D009386, MONDO:0015356.

Allele frequency attached by ClinVar (database versions not stated): gnomAD exomes below 0.00001.

Submissions (2):

Ambry Genetics
Classification: Uncertain significance for Hereditary cancer-predisposing syndrome. Last evaluated: 2025-03-05. Review status: criteria provided, single submitter. Criteria: Ambry Variant Classification Scheme 2023. Collection method: clinical testing. Allele origin: germline.
Comment: The c.1383+5G>A intronic variant results from a G to A substitution 5 nucleotides after coding exon 10 in the POLD1 gene. This nucleotide position is not conserved on limited sequence alignment. In silico splice site analysis predicts that this alteration will not have any significant effect on splicing. Based on the available evidence, the clinical significance of this variant remains unclear.

Labcorp Genetics (formerly Invitae), Labcorp
Classification: Uncertain significance for POLD1-related polyposis and colorectal cancer syndrome. Last evaluated: 2025-02-15. Review status: criteria provided, single submitter. Criteria: Invitae Variant Classification Sherloc (09022015). Collection method: clinical testing. Allele origin: germline.
Comment: This sequence change falls in intron 11 of the POLD1 gene. It does not directly change the encoded amino acid sequence of the POLD1 protein. It affects a nucleotide within the consensus splice site. This variant is present in population databases (no rsID available, gnomAD 0.007%). This variant has not been reported in the literature in individuals affected with POLD1-related conditions. ClinVar contains an entry for this variant (Variation ID: 858680). Variants that disrupt the consensus splice site are a relatively common cause of aberrant splicing (PMID: 17576681, 9536098). Algorithms developed to predict the effect of sequence changes on RNA splicing suggest that this variant is not likely to affect RNA splicing. In summary, the available evidence is currently insufficient to determine the role of this variant in disease. Therefore, it has been classified as a Variant of Uncertain Significance.

Literature cited by the submitters: PubMed 17576681 (cited by Labcorp Genetics (formerly Invitae), Labcorp); PubMed 9536098 (cited by Labcorp Genetics (formerly Invitae), Labcorp).